The following is an entry in ClinVar:

ClinVar aggregate classification (germline): Conflicting classifications of pathogenicity. Review status: criteria provided, conflicting classifications (1 of 4 stars). 15 submissions from 15 submitters: Uncertain significance (9); Likely benign (4). 2 of the submissions do not count toward it. Last evaluated 2025-12-13.

Conditions:
Carcinoma of pancreas. Also called: PANCREATIC ACINAR CARCINOMA; PANCREATIC CARCINOMA; Exocrine pancreatic carcinoma; Pancreatic cancer, somatic; Pancreatic carcinoma, somatic. Identifiers: Orphanet 1333, Orphanet 217074, MedGen C0235974, MONDO:0005192. Disease mechanism: loss of function.
Peutz-Jeghers syndrome (PJS). Also called: POLYPOSIS, HAMARTOMATOUS INTESTINAL; POLYPS-AND-SPOTS SYNDROME; Peutz-Jeghers polyposis; Periorificial lentiginosis syndrome. Identifiers: Orphanet 2869, MedGen C0031269, MeSH D010580, MONDO:0008280, OMIM 175200.
Malignant tumor of testis. Also called: Testicular cancer. Identifiers: MedGen C0153594, MONDO:0005447.
Breast and/or ovarian cancer. Identifiers: MedGen CN221562.
Hereditary cancer-predisposing syndrome. Also called: Tumor predisposition; Hereditary Cancer Syndrome; Hereditary neoplastic syndrome; Neoplastic Syndromes, Hereditary. Identifiers: Orphanet 140162, MedGen C0027672, MeSH D009386, MONDO:0015356.

Allele frequency attached by ClinVar (database versions not stated): gnomAD 0.00001; gnomAD exomes 0.00002 and 0.00004; TOPMed 0.00002; ExAC 0.00009.

Submissions (15):

Labcorp Genetics (formerly Invitae), Labcorp
Classification: Likely benign for Peutz-Jeghers syndrome. Last evaluated: 2025-12-13. Review status: criteria provided, single submitter. Criteria: Invitae Variant Classification Sherloc (09022015). Collection method: clinical testing. Allele origin: germline.

Color Diagnostics, LLC DBA Color Health
Classification: Likely benign for Hereditary cancer-predisposing syndrome. Last evaluated: 2024-10-29. Review status: criteria provided, single submitter. Criteria: ACMG Guidelines, 2015. Collection method: clinical testing. Allele origin: germline.

Quest Diagnostics Nichols Institute San Juan Capistrano
Classification: Uncertain significance. Last evaluated: 2024-04-15. Review status: criteria provided, single submitter. Criteria: Quest Diagnostics criteria. Collection method: clinical testing. Allele origin: unknown.
Comment: The STK11 c.632G>A (p.Arg211Gln) variant has been reported in the published literature in individuals with breast cancer (PMIDs: 33471991 (2021), see also LOVD and 25186627 (2015)) and intrahepatic cholangiocarcinoma (ICC) (PMID: 26056085 (2015)). The frequency of this variant in the general population, 0.0001 (3/28712 chromosomes in South Asian subpopulation (Genome Aggregation Database)), is higher than would generally be expected for pathogenic variants in this gene. Analysis of this variant using bioinformatics tools for the prediction of the effect of amino acid changes on protein structure and function yielded conflicting predictions that this variant is deleterious or benign. Based on the available information, we are unable to determine the clinical significance of this variant.

All of Us Research Program, National Institutes of Health
Classification: Uncertain significance for Peutz-Jeghers syndrome. Last evaluated: 2023-12-18. Review status: criteria provided, single submitter. Criteria: ACMG Guidelines, 2015. Collection method: clinical testing. Allele origin: germline. Inheritance: Autosomal dominant inheritance. Observed: 5 variant alleles, 5 heterozygotes.
Comment: This missense variant replaces arginine with glutamine at codon 211 of the STK11 protein. Computational prediction suggests that this variant may not impact protein structure and function (internally defined REVEL score threshold <= 0.5, PMID: 27666373). To our knowledge, functional studies have not been reported for this variant. This variant has been reported in individuals affected with breast cancer in the literature (PMID: 25186627, 33471991). This variant has been identified in 10/223198 chromosomes in the general population by the Genome Aggregation Database (gnomAD). The available evidence is insufficient to determine the role of this variant in disease conclusively. Therefore, this variant is classified as a Variant of Uncertain Significance.

This study involves interpretation of variants in research participants for the purpose of population health screening. Participant phenotype was not available at the time of variant classification. Additional details can be found in publication PMID: 35346344, PMCID: PMC8962531

Myriad Genetics, Inc.
Classification: Uncertain significance for Peutz-Jeghers syndrome. Last evaluated: 2023-04-13. Review status: criteria provided, single submitter. Criteria: Myriad Autosomal Dominant, Autosomal Recessive and X-Linked Classification Criteria (2023). Collection method: clinical testing. Allele origin: unknown.
Comment: This variant is classified as a variant of uncertain significance as there is insufficient evidence to determine its impact on protein function and/or cancer risk.

CHEO Genetics Diagnostic Laboratory, Children's Hospital of Eastern Ontario
Classification: Uncertain significance for Breast and/or ovarian cancer. Last evaluated: 2021-12-13. Review status: criteria provided, single submitter. Criteria: ACMG Guidelines, 2015. Collection method: clinical testing. Allele origin: germline.

Women's Health and Genetics/Laboratory Corporation of America, LabCorp
Classification: Likely benign. Last evaluated: 2021-10-15. Review status: criteria provided, single submitter. Criteria: LabCorp Variant Classification Summary - May 2015. Collection method: clinical testing. Allele origin: germline.
Comment: Variant summary: STK11 c.632G>A (p.Arg211Gln) results in a conservative amino acid change located in the protein kinase domain (IPR000719) of the encoded protein sequence. Four of five in-silico tools predict a benign effect of the variant on protein function. The variant allele was found at a frequency of 4.5e-05 in 223198 control chromosomes (gnomAD v2.1 exomes dataset). The observed variant frequency is approximately 7-fold of the estimated maximal expected allele frequency for a pathogenic variant in STK11 causing Peutz-Jeghers Syndrome phenotype (6.3e-06), strongly suggesting that the variant is benign. The variant, c.632G>A, has been reported in the literature in 3 individuals affected breast cancer (Tung_2015, Dorling_2021). These reports however, do not provide unequivocal conclusions about association of the variant with Peutz-Jeghers Syndrome. To our knowledge, no experimental evidence demonstrating an impact on protein function has been reported. Seven other clinical diagnostic laboratories have submitted clinical-significance assessments for this variant to ClinVar after 2014, and all of them classified the variant as uncertain significance. Based on the evidence outlined above, the variant was classified as likely benign.

GeneDx
Classification: Uncertain significance. Last evaluated: 2021-08-27. Review status: criteria provided, single submitter. Criteria: GeneDx Variant Classification Process June 2021. Collection method: clinical testing. Allele origin: germline. Affected: yes.
Comment: In silico analysis supports that this missense variant does not alter protein structure/function; Observed in an individual with breast cancer (Tung 2015); This variant is associated with the following publications: (PMID: 15863673, 25186627)

Genome-Nilou Lab
Classification: Uncertain significance for Peutz-Jeghers syndrome. Last evaluated: 2021-07-15. Review status: criteria provided, single submitter. Criteria: ACMG Guidelines, 2015. Collection method: clinical testing. Allele origin: germline. Affected: no.

Ambry Genetics
Classification: Likely benign for Hereditary cancer-predisposing syndrome. Last evaluated: 2021-07-14. Review status: criteria provided, single submitter. Criteria: Ambry Variant Classification Scheme 2023. Collection method: clinical testing. Allele origin: germline.

Genetic Services Laboratory, University of Chicago
Classification: Uncertain significance. Last evaluated: 2019-08-30. Review status: criteria provided, single submitter. Criteria: ACMG Guidelines, 2015. Collection method: clinical testing. Allele origin: germline. Affected: no.

Institute of Human Genetics, University of Leipzig Medical Center
Classification: Uncertain significance for Peutz-Jeghers syndrome. Last evaluated: 2019-01-01. Review status: criteria provided, single submitter. Criteria: ACMG Guidelines, 2015. Collection method: clinical testing. Allele origin: unknown. Affected: yes.

Fulgent Genetics
Classification: Uncertain significance for Peutz-Jeghers syndrome; Familial pancreatic carcinoma; Germ cell tumor of testis. Last evaluated: 2018-10-31. Review status: criteria provided, single submitter. Criteria: ACMG Guidelines, 2015. Collection method: clinical testing. Allele origin: unknown.

Zotz-Klimas Genetics Lab, MVZ Zotz Klimas
Classification: Uncertain significance for Peutz-Jeghers syndrome. Last evaluated: 2023-10-09. Review status: no assertion criteria provided. Collection method: clinical testing. Allele origin: germline. Affected: yes. Not counted in ClinVar's aggregate classification.

Counsyl
Classification: Uncertain significance for Peutz-Jeghers syndrome. Last evaluated: 2018-04-12. Review status: no assertion criteria provided. Collection method: clinical testing. Allele origin: unknown. Not counted in ClinVar's aggregate classification.

Literature cited by the submitters: PubMed 33471991 (cited by 3 submitters); PubMed 26056085 (cited by Quest Diagnostics Nichols Institute San Juan Capistrano and Women's Health and Genetics/Laboratory Corporation of America, LabCorp); PubMed 25186627 (cited by 4 submitters); PubMed 29748005 (cited by Women's Health and Genetics/Laboratory Corporation of America, LabCorp).

NM_000455.5(STK11):c.632G>A (p.Arg211Gln)

Gene: STK11 (serine/threonine kinase 11; plus strand). Cytogenetic location: 19p13.3.
Variant type: single nucleotide variant.
Coding change: c.632G>A on transcript NM_000455.5 (MANE Select); coding-DNA position 632, G replaced by A.
Protein change: p.Arg211Gln; replaces arginine 211 with glutamine.
Molecular consequence: missense variant.
Genome position (GRCh38, 1-based): chr19:1,220,615, G>A. VCF-style: chr19-1220615-G-A. GRCh37 (hg19) VCF-style: chr19-1220614-G-A.
Other names: p.R211Q:CGG>CAG; short protein forms R211Q.
Identifiers: ClinVar variation 182910 (VCV000182910.39), dbSNP rs730881982, ClinGen allele CA023190.